The following is an entry in ClinVar:

ClinVar aggregate classification (germline): Pathogenic. Review status: criteria provided, single submitter (1 of 4 stars). 2 submissions from 2 submitters: Pathogenic (1). 1 of the submissions does not count toward it. Last evaluated 2021-04-23.

Conditions:
Achromatopsia 3 (ACHM3). Also called: ACHROMATOPSIA WITH MYOPIA; PINGELAPESE BLINDNESS; TOTAL COLORBLINDNESS WITH MYOPIA; ROD MONOCHROMACY 1; ROD MONOCHROMATISM 1. Identifiers: Orphanet 49382, MedGen C1849792, MONDO:0009875, OMIM 262300.

Allele frequency attached by ClinVar (database versions not stated): ESP Exome Variant Server 0.00008.
gnomAD v4.1: 1 of 1,613,902 alleles (0.000062%); highest among the groups gnomAD compares: Non-Finnish European, 0.000085%; no homozygotes.

Submissions (2):

Labcorp Genetics (formerly Invitae), Labcorp
Classification: Pathogenic. Last evaluated: 2021-04-23. Review status: criteria provided, single submitter. Criteria: Invitae Variant Classification Sherloc (09022015). Collection method: clinical testing. Allele origin: germline.
Comment: This variant is present in population databases (rs376711003, ExAC 0.001%). This sequence change creates a premature translational stop signal (p.Ser4*) in the CNGB3 gene. It is expected to result in an absent or disrupted protein product. Loss-of-function variants in CNGB3 are known to be pathogenic (PMID: 28795510). This variant has not been reported in the literature in individuals with CNGB3-related conditions. ClinVar contains an entry for this variant (Variation ID: 370177). For these reasons, this variant has been classified as Pathogenic.

Counsyl
Classification: Likely pathogenic for Achromatopsia 3. Last evaluated: 2015-12-09. Review status: no assertion criteria provided. Collection method: clinical testing. Allele origin: unknown. Not counted in ClinVar's aggregate classification.

Literature cited by the submitters: PubMed 28795510 (cited by Labcorp Genetics (formerly Invitae), Labcorp).

NM_019098.5(CNGB3):c.11C>A (p.Ser4Ter)

Gene: CNGB3 (cyclic nucleotide gated channel subunit beta 3; minus strand). Cytogenetic location: 8q21.3.
Variant type: single nucleotide variant.
Coding change: c.11C>A on transcript NM_019098.5 (MANE Select); coding-DNA position 11, C replaced by A.
Protein change: p.Ser4Ter; replaces serine 4 with a stop codon.
Molecular consequence: nonsense.
Genome position (GRCh38, 1-based): chr8:86,743,617, G>T on the plus strand (C>A on the coding strand, the complement: CNGB3 is on the minus strand). VCF-style: chr8-86743617-G-T. GRCh37 (hg19) VCF-style: chr8-87755845-G-T.
Other names: short protein forms S4*.
Identifiers: ClinVar variation 370177 (VCV000370177.8), dbSNP rs376711003, ClinGen allele CA4800549.